The following is an entry in ClinVar:

NM_006231.4(POLE):c.6520T>A (p.Ser2174Thr)

Gene: POLE (DNA polymerase epsilon, catalytic subunit; minus strand). Cytogenetic location: 12q24.33.
Variant type: single nucleotide variant.
Coding change: c.6520T>A on transcript NM_006231.4 (MANE Select); coding-DNA position 6520, T replaced by A.
Protein change: p.Ser2174Thr; replaces serine 2174 with threonine.
Molecular consequence: missense variant.
Genome position (GRCh38, 1-based): chr12:132,626,128, A>T on the plus strand (T>A on the coding strand, the complement: POLE is on the minus strand). VCF-style: chr12-132626128-A-T. GRCh37 (hg19) VCF-style: chr12-133202714-A-T.
Other names: short protein forms S2174T.
Identifiers: ClinVar variation 4672668 (VCV004672668.1).

ClinVar aggregate classification (germline): Uncertain significance (1 of 4 stars; one submission).

Conditions:
Hereditary cancer-predisposing syndrome. Also called: Neoplastic Syndromes, Hereditary; Tumor predisposition; Hereditary Cancer Syndrome; Hereditary neoplastic syndrome. Identifiers: Orphanet 140162, MedGen C0027672, MeSH D009386, MONDO:0015356.

Submission:

Ambry Genetics
Classification: Uncertain significance for Hereditary cancer-predisposing syndrome. Last evaluated: 2025-12-06. Review status: criteria provided, single submitter. Criteria: Ambry Variant Classification Scheme 2023. Collection method: clinical testing. Allele origin: germline.
Comment: The p.S2174T variant (also known as c.6520T>A), located in coding exon 46 of the POLE gene, results from a T to A substitution at nucleotide position 6520. The serine at codon 2174 is replaced by threonine, an amino acid with similar properties. This amino acid position is conserved. In addition, this alteration is predicted to be tolerated by in silico analysis. Based on the available evidence, the clinical significance of this variant remains unclear.